The following is an entry in ClinVar:

NM_006579.3(EBP):c.183GCG[1] (p.Arg63del)

Gene: EBP (EBP cholestenol delta-isomerase; plus strand). Cytogenetic location: Xp11.23.
Variant type: Microsatellite.
Coding change: c.183GCG[1] on transcript NM_006579.3 (MANE Select); one copy of the 3-base unit GCG starting at c.183; the reference has two copies in a row; one copy, 3 bases deleted.
Protein change: p.Arg63del; deletes arginine 63.
Molecular consequence: inframe deletion.
Genome position (GRCh38, 1-based): chrX:48,523,957-48,523,959, GCG deleted; deleting any 3 consecutive bases within chrX:48,523,953-48,523,959 gives the same sequence; the position shown is the placement nearest the transcript's 3' end. VCF-style (leftmost placement, unchanged base first): chrX-48523952-TGGC-T. GRCh37 (hg19) VCF-style: chrX-48382340-TGGC-T.
Other names: short protein forms R63del.
Identifiers: ClinVar variation 2737221 (VCV002737221.4), dbSNP rs2519522250, ClinGen allele CA2695234259.

ClinVar aggregate classification (germline): Conflicting classifications of pathogenicity. Review status: criteria provided, conflicting classifications (1 of 4 stars). 2 submissions from 2 submitters: Likely pathogenic (1); Uncertain significance (1). Last evaluated 2023-12-10.

Conditions:
EBP-related disorders.

Submissions (2):

Labcorp Genetics (formerly Invitae), Labcorp
Classification: Uncertain significance. Last evaluated: 2023-12-10. Review status: criteria provided, single submitter. Criteria: Invitae Variant Classification Sherloc (09022015). Collection method: clinical testing. Allele origin: germline.
Comment: This variant, c.186_188del, results in the deletion of 1 amino acid(s) of the EBP protein (p.Arg63del), but otherwise preserves the integrity of the reading frame. This variant is not present in population databases (gnomAD no frequency). This variant has been observed in individual(s) with chondrodysplasia punctata (PMID: 10391218, 25846959; Invitae). This variant is also known as del R62. Experimental studies and prediction algorithms are not available or were not evaluated, and the functional significance of this variant is currently unknown. In summary, the available evidence is currently insufficient to determine the role of this variant in disease. Therefore, it has been classified as a Variant of Uncertain Significance.

Blueprint Genetics
Classification: Likely pathogenic for EBP-related disorders. Last evaluated: 2020-11-25. Review status: criteria provided, single submitter. Criteria: ACMG Guidelines, 2015. Collection method: clinical testing. Allele origin: germline. Affected: yes. Observed: 1 variant allele.

Literature cited by the submitters: PubMed 10391218 (cited by Labcorp Genetics (formerly Invitae), Labcorp); PubMed 25846959 (cited by Labcorp Genetics (formerly Invitae), Labcorp).